The following is an entry in ClinVar:

NM_000400.4(ERCC2):c.553C>T (p.Arg185Trp)

Gene: ERCC2 (ERCC excision repair 2, TFIIH core complex helicase subunit; minus strand). Cytogenetic location: 19q13.32.
Variant type: single nucleotide variant.
Coding change: c.553C>T on transcript NM_000400.4 (MANE Select); coding-DNA position 553, C replaced by T.
Protein change: p.Arg185Trp; replaces arginine 185 with tryptophan.
Molecular consequence: missense variant.
Genome position (GRCh38, 1-based): chr19:45,364,879, G>A on the plus strand (C>T on the coding strand, the complement: ERCC2 is on the minus strand). VCF-style: chr19-45364879-G-A. GRCh37 (hg19) VCF-style: chr19-45868137-G-A.
Other names: c.481C>T, p.Arg161Trp (NM_001130867.2); short protein forms R161W, R185W.
Identifiers: ClinVar variation 998351 (VCV000998351.8), dbSNP rs139884931, ClinGen allele CA9513746.

ClinVar aggregate classification (germline): Uncertain significance. Review status: criteria provided, multiple submitters, no conflicts (2 of 4 stars). 4 submissions from 4 submitters: Uncertain significance (4). Last evaluated 2022-02-10.

Conditions:
Xeroderma pigmentosum, group D (XPD). Also called: ERCC2-Related Xeroderma Pigmentosum; XERODERMA PIGMENTOSUM IV; XP, GROUP D; XP, GROUP H; XERODERMA PIGMENTOSUM, COMPLEMENTATION GROUP D. Identifiers: MedGen C0268138, MONDO:0010212, OMIM 278730.
Trichothiodystrophy 1, photosensitive (TTD1). Also called: TAY SYNDROME; TRICHOTHIODYSTROPHY WITH CONGENITAL ICHTHYOSIS; PIBIDS SYNDROME. Identifiers: Orphanet 33364, MedGen C1866504, MONDO:0011125, OMIM 601675.
Cerebrooculofacioskeletal syndrome 2 (COFS2). Identifiers: MedGen C1853102, MONDO:0012553, OMIM 610756.
Xeroderma pigmentosum (XP). Identifiers: Orphanet 910, MedGen C0043346, MONDO:0019600.

Allele frequency attached by ClinVar (database versions not stated): gnomAD exomes 0.00002 and 0.00004; gnomAD 0.00004 and 0.00005; ExAC 0.00005; ESP Exome Variant Server 0.00023; TOPMed 0.00005.
gnomAD v4.1: 41 of 1,613,912 alleles (0.0025%); highest among the groups gnomAD compares: Middle Eastern, 0.033%; no homozygotes.

Submissions (4):

Labcorp Genetics (formerly Invitae), Labcorp
Classification: Uncertain significance. Last evaluated: 2022-02-10. Review status: criteria provided, single submitter. Criteria: Invitae Variant Classification Sherloc (09022015). Collection method: clinical testing. Allele origin: germline.
Comment: This sequence change replaces arginine, which is basic and polar, with tryptophan, which is neutral and slightly polar, at codon 185 of the ERCC2 protein (p.Arg185Trp). This variant is present in population databases (rs139884931, gnomAD 0.02%). This missense change has been observed in individual(s) with stomach cancer (PMID: 29625052). ClinVar contains an entry for this variant (Variation ID: 998351). Algorithms developed to predict the effect of missense changes on protein structure and function are either unavailable or do not agree on the potential impact of this missense change (SIFT: "Deleterious"; PolyPhen-2: "Possibly Damaging"; Align-GVGD: "Class C0"). In summary, the available evidence is currently insufficient to determine the role of this variant in disease. Therefore, it has been classified as a Variant of Uncertain Significance.

Sema4
Classification: Uncertain significance for Xeroderma pigmentosum. Last evaluated: 2021-11-11. Review status: criteria provided, single submitter. Criteria: Sema4 Curation Guidelines. Collection method: curation. Allele origin: germline.
Comment: The ERCC2 c.553C>T (p.R185W) missense has been reported in heterozygosity in at least 1 individual with stomach adenocarcinoma (PMID: 29625052). This variant was observed in 4/18392 chromosomes in the East Asian subpopulation in the large and broad cohorts of the Genome Aggregation Database (PMID: 32461654). The variant has been reported in ClinVar (Variation ID: 998351). Functional studies have not been performed, and in silico predictions of the variant's effect on protein function are inconclusive. The evidence is insufficient to meet ACMG/AMP criteria for classifying the variant as benign or pathogenic. Thus, the clinical significance of this variant is currently uncertain.

Baylor Genetics
Classification: Uncertain significance for Trichothiodystrophy 1, photosensitive. Last evaluated: 2020-08-27. Review status: criteria provided, single submitter. Criteria: ACMG Guidelines, 2015. Collection method: clinical testing. Allele origin: unknown. Affected: yes. Study: CSER-TexasKidsCanSeq.
Comment: This variant was determined to be of uncertain significance according to ACMG Guidelines, 2015 [PMID:25741868].

Juno Genomics, Hangzhou Juno Genomics, Inc
Classification: Uncertain significance for Cerebrooculofacioskeletal syndrome 2; Trichothiodystrophy 1, photosensitive; Xeroderma pigmentosum, group D. Review status: criteria provided, single submitter. Criteria: ACMG Guidelines, 2015. Collection method: clinical testing. Allele origin: germline. Affected: yes.
Comment: Absent from controls (or at extremely low frequency if recessive) in Genome Aggregation Database.;Multiple lines of computational evidence support a deleterious effect on the gene or gene product.;For recessive disorders, detected in trans with a pathogenic variant.;Patient's phenotype or family history is highly specific for a disease with a single genetic etiology.

Literature cited by the submitters: PubMed 29625052 (cited by Labcorp Genetics (formerly Invitae), Labcorp and Sema4).